The following is an entry in ClinVar:

ClinVar aggregate classification (germline): Uncertain significance (1 of 4 stars; one submission).

Submission:

Labcorp Genetics (formerly Invitae), Labcorp
Classification: Uncertain significance. Last evaluated: 2022-11-24. Review status: criteria provided, single submitter. Criteria: Invitae Variant Classification Sherloc (09022015). Collection method: clinical testing. Allele origin: germline.
Comment: This variant has not been reported in the literature in individuals affected with MICAL1-related conditions. This sequence change affects an acceptor splice site in intron 8 of the MICAL1 gene. It is expected to disrupt RNA splicing. Variants that disrupt the donor or acceptor splice site typically lead to a loss of protein function (PMID: 16199547), however the current clinical and genetic evidence is not sufficient to establish whether loss-of-function variants in MICAL1 cause disease. This variant is not present in population databases (gnomAD no frequency). Algorithms developed to predict the effect of sequence changes on RNA splicing suggest that this variant may disrupt the consensus splice site. In summary, the available evidence is currently insufficient to determine the role of this variant in disease. Therefore, it has been classified as a Variant of Uncertain Significance.

Literature cited by the submitters: PubMed 16199547.

NM_022765.4(MICAL1):c.1192-1G>T

Gene: MICAL1 (microtubule associated monooxygenase, calponin and LIM domain containing 1; minus strand). Cytogenetic location: 6q21.
Variant type: single nucleotide variant.
Coding change: c.1192-1G>T on transcript NM_022765.4 (MANE Select); the canonical splice acceptor site of the intron before coding-DNA position 1192, G replaced by T.
Molecular consequence: splice acceptor variant.
Genome position (GRCh38, 1-based): chr6:109,450,086, C>A on the plus strand (G>T on the coding strand, the complement: MICAL1 is on the minus strand). VCF-style: chr6-109450086-C-A. GRCh37 (hg19) VCF-style: chr6-109771289-C-A.
Other names: c.1249-1G>T (NM_001286613.2); c.934-1G>T (NM_001159291.2).
Identifiers: ClinVar variation 2816525 (VCV002816525.3), dbSNP rs1052781723, ClinGen allele CA365230678.